The following is an entry in ClinVar:

ClinVar aggregate classification (germline): Uncertain significance (1 of 4 stars; one submission).

gnomAD v4.1: 5 of 1,479,436 alleles (0.00034%); highest among the groups gnomAD compares: Non-Finnish European, 0.00036%; no homozygotes.

Submission:

GeneDx
Classification: Uncertain significance. Last evaluated: 2023-12-28. Review status: criteria provided, single submitter. Criteria: GeneDx Variant Classification Process June 2021. Collection method: clinical testing. Allele origin: germline. Affected: yes.
Comment: Not observed at significant frequency in large population cohorts (gnomAD); In silico analysis supports that this missense variant does not alter protein structure/function; Has not been previously published as pathogenic or benign to our knowledge

NM_000744.7(CHRNA4):c.40C>T (p.Pro14Ser)

Genes: CHRNA4 (cholinergic receptor nicotinic alpha 4 subunit; minus strand), LOC100130587 (uncharacterized LOC100130587; plus strand). Cytogenetic location: 20q13.33.
Variant type: single nucleotide variant.
Coding change: c.40C>T on transcript NM_000744.7 (MANE Select); coding-DNA position 40, C replaced by T.
Protein change: p.Pro14Ser; replaces proline 14 with serine.
Molecular consequence: missense variant. On other transcripts: non-coding transcript variant (1), intron variant (1).
Genome position (GRCh38, 1-based): chr20:63,361,126, G>A on the plus strand (C>T on the coding strand, the complement: CHRNA4 is on the minus strand). VCF-style: chr20-63361126-G-A. GRCh37 (hg19) VCF-style: chr20-61992478-G-A.
Other names: c.-471+51C>T (NM_001256573.2); short protein forms P14S.
Identifiers: ClinVar variation 3367257 (VCV003367257.1).